The following is an entry in ClinVar:

ClinVar aggregate classification (germline): Likely benign. Review status: criteria provided, multiple submitters, no conflicts (2 of 4 stars). 3 submissions from 3 submitters: Likely benign (3). Last evaluated 2026-09-14.

Conditions:
PRX-related disorder. Also called: PRX-related condition; PRX-Related Disorders.
Charcot-Marie-Tooth disease type 4. Also called: Charcot-Marie-Tooth, Type 4; Charcot-Marie-Tooth disease, type IV. Identifiers: Orphanet 64749, MedGen C4082197, MONDO:0018995.

Allele frequency attached by ClinVar (database versions not stated): gnomAD 0.00001; TOPMed 0.00001.
gnomAD v4.1: 3 of 1,542,144 alleles (0.00019%); highest among the groups gnomAD compares: Non-Finnish European, 0.00026%; no homozygotes.

Submissions (3):

PreventionGenetics, part of Exact Sciences
Classification: Likely benign for PRX-related condition. Last evaluated: 2026-09-14. Review status: criteria provided, single submitter. Criteria: ACMG Guidelines, 2015. Collection method: clinical testing. Allele origin: germline.
Comment: This variant is classified as likely benign based on ACMG/AMP sequence variant interpretation guidelines (Richards et al. 2015 PMID: 25741868, with internal and published modifications).

Women's Health and Genetics/Laboratory Corporation of America, LabCorp
Classification: Likely benign. Last evaluated: 2025-09-05. Review status: criteria provided, single submitter. Criteria: LabCorp Variant Classification Summary - May 2015. Collection method: clinical testing. Allele origin: germline.

Labcorp Genetics (formerly Invitae), Labcorp
Classification: Likely benign for Charcot-Marie-Tooth disease type 4. Last evaluated: 2025-06-25. Review status: criteria provided, single submitter. Criteria: Invitae Variant Classification Sherloc (09022015). Collection method: clinical testing. Allele origin: germline.

NM_181882.3(PRX):c.774C>A (p.Pro258=)

Gene: PRX (periaxin; minus strand). Cytogenetic location: 19q13.2.
Variant type: single nucleotide variant.
Coding change: c.774C>A on transcript NM_181882.3 (MANE Select); coding-DNA position 774, C replaced by A.
Protein change: p.Pro258=; no amino-acid change (proline 258 retained).
Molecular consequence: synonymous variant. On other transcripts: 3 prime UTR variant (1).
Genome position (GRCh38, 1-based): chr19:40,397,578, G>T on the plus strand (C>A on the coding strand, the complement: PRX is on the minus strand). VCF-style: chr19-40397578-G-T. GRCh37 (hg19) VCF-style: chr19-40903485-G-T.
Other names: c.1059C>A, p.Pro353= (NM_001411127.1); c.*979C>A (NM_020956.2).
Identifiers: ClinVar variation 1926153 (VCV001926153.7), dbSNP rs974258185, ClinGen allele CA308421537.